The following is an entry in ClinVar:

NM_005850.5(SF3B4):c.383_386del (p.Gln128fs)

Gene: SF3B4 (splicing factor 3b subunit 4; minus strand). Cytogenetic location: 1q21.2.
Variant type: Deletion.
Coding change: c.383_386del on transcript NM_005850.5 (MANE Select); coding-DNA positions 383 to 386, 4 bases deleted (AAAC; older notation c.383_386delAAAC).
Protein change: p.Gln128fs; shifts the reading frame from glutamine 128.
Molecular consequence: frameshift variant.
Genome position (GRCh38, 1-based): chr1:149,926,696-149,926,699, GTTT deleted on the plus strand (AAAC on the coding strand, the reverse complement: SF3B4 is on the minus strand); deleting any 4 consecutive bases within chr1:149,926,696-149,926,701 gives the same sequence; the c. name uses the placement nearest the transcript's 3' end. VCF-style (leftmost placement, unchanged base first): chr1-149926695-GGTTT-G. GRCh37 (hg19) VCF-style: chr1-149898587-GGTTT-G.
Other names: short protein forms Q128fs.
Identifiers: ClinVar variation 5042498 (VCV005042498.1).

ClinVar aggregate classification (germline): Pathogenic (1 of 4 stars; one submission).

Conditions:
Nager syndrome (AFD1). Also called: MANDIBULOFACIAL DYSOSTOSIS, TREACHER COLLINS TYPE, WITH LIMB ANOMALIES; Nager acrofacial dysostosis; Nager acrofacial dysostosis syndrome; Acrofacial Dysostosis 1, Nager Type. Identifiers: Orphanet 245, MedGen C0265245, MONDO:0007943, OMIM 154400.

Submission:

Center for Pediatric Genomic Medicine, Children's Mercy Hospital and Clinics
Classification: Pathogenic for Nager syndrome. Last evaluated: 2021-04-01. Review status: criteria provided, single submitter. Criteria: ACMG Guidelines, 2015. Collection method: clinical testing. Allele origin: de novo. Affected: yes.
Comment: PVS1, PS2, PM2, PP4